The following is an entry in ClinVar:

ClinVar aggregate classification (germline): Pathogenic/Likely pathogenic. Review status: criteria provided, multiple submitters, no conflicts (2 of 4 stars). 4 submissions from 4 submitters: Pathogenic (1); Likely pathogenic (3). Last evaluated 2023-12-02.

Conditions:
Autosomal recessive nonsyndromic hearing loss 4 (DFNB4). Also called: FOXI1-Related Pendred Syndrome; KCNJ10-Related Pendred Syndrome; Enlarged vestibular aqueduct, digenic; NEUROSENSORY NONSYNDROMIC RECESSIVE DEAFNESS 4; Deafness, autosomal recessive 4, with enlarged vestibular aqueduct; Deafness, autosomal recessive 4. Identifiers: Orphanet 90636, MedGen C3538946, MONDO:0010933, OMIM 600791.
Pendred syndrome (PDS). Also called: THYROID DYSHORMONOGENESIS 2B; THYROID HORMONOGENESIS, GENETIC DEFECT IN, 2B; Pendred Syndrome (PDS); DEAFNESS WITH GOITER; GOITER-DEAFNESS SYNDROME; HYPOTHYROIDISM, CONGENITAL, DUE TO DYSHORMONOGENESIS, 2B. Identifiers: Orphanet 705, MedGen C0271829, MONDO:0010134, OMIM 274600.

Allele frequency attached by ClinVar (database versions not stated): gnomAD exomes below 0.00001; TOPMed below 0.00001.
gnomAD v4.1: 2 of 1,613,218 alleles (0.00012%); highest among the groups gnomAD compares: Non-Finnish European, 0.00017%; no homozygotes.

Submissions (4):

Labcorp Genetics (formerly Invitae), Labcorp
Classification: Pathogenic. Last evaluated: 2023-12-02. Review status: criteria provided, single submitter. Criteria: Invitae Variant Classification Sherloc (09022015). Collection method: clinical testing. Allele origin: germline.
Comment: This sequence change replaces glycine, which is neutral and non-polar, with aspartic acid, which is acidic and polar, at codon 424 of the SLC26A4 protein (p.Gly424Asp). This variant is not present in population databases (gnomAD no frequency). This missense change has been observed in individual(s) with SLC26A4-related conditions (PMID: 18285825). In at least one individual the data is consistent with being in trans (on the opposite chromosome) from a pathogenic variant. It has also been observed to segregate with disease in related individuals. ClinVar contains an entry for this variant (Variation ID: 1067344). Advanced modeling of protein sequence and biophysical properties (such as structural, functional, and spatial information, amino acid conservation, physicochemical variation, residue mobility, and thermodynamic stability) performed at Invitae indicates that this missense variant is expected to disrupt SLC26A4 protein function with a positive predictive value of 95%. Experimental studies have shown that this missense change affects SLC26A4 function (PMID: 19017801). For these reasons, this variant has been classified as Pathogenic.

Revvity Omics, Revvity
Classification: Likely pathogenic. Last evaluated: 2022-12-05. Review status: criteria provided, single submitter. Criteria: ACMG Guidelines, 2015. Collection method: clinical testing. Allele origin: germline.

Women's Health and Genetics/Laboratory Corporation of America, LabCorp
Classification: Likely pathogenic for Pendred syndrome. Last evaluated: 2022-11-16. Review status: criteria provided, single submitter. Criteria: LabCorp Variant Classification Summary - May 2015. Collection method: clinical testing. Allele origin: germline.
Comment: Variant summary: SLC26A4 c.1271G>A (p.Gly424Asp) results in a non-conservative amino acid change located in the SLC26A/SulP transporter domain (IPR011547) of the encoded protein sequence. Five of five in-silico tools predict a damaging effect of the variant on protein function. The variant was absent in 250858 control chromosomes. c.1271G>A has been reported in the literature as a compound heterozygous genotype in at-least two individuals affected with features of Pendred Syndrome and as a non-informative genotype (second allele not specified) in an individual with unilateral hearing impairment and enlarged vestibular aqueduct (example, Pera_2008, Jonard_2010). These data indicate that the variant may be associated with disease. At least one publication reports experimental evidence evaluating an impact on protein function (example, Pera_2008). The most pronounced variant effect results in reduction of chloride and iodide transport, consistent with the mechanism of disease. One clinical diagnostic laboratory has submitted clinical-significance assessments for this variant to ClinVar after 2014 and classified the variant as likely pathogenic. Based on the evidence outlined above, the variant was classified as likely pathogenic.

Juno Genomics, Hangzhou Juno Genomics, Inc
Classification: Likely pathogenic for Autosomal recessive nonsyndromic hearing loss 4; Pendred syndrome. Review status: criteria provided, single submitter. Criteria: ACMG Guidelines, 2015. Collection method: clinical testing. Allele origin: germline.
Comment: Absent from controls (or at extremely low frequency if recessive) in Genome Aggregation Database.;Multiple lines of computational evidence support a deleterious effect on the gene or gene product.;For recessive disorders, detected in trans with a pathogenic variant.

Literature cited by the submitters: PubMed 18285825 (cited by Labcorp Genetics (formerly Invitae), Labcorp and Women's Health and Genetics/Laboratory Corporation of America, LabCorp); PubMed 19017801 (cited by Labcorp Genetics (formerly Invitae), Labcorp and Women's Health and Genetics/Laboratory Corporation of America, LabCorp); PubMed 19608655 (cited by Women's Health and Genetics/Laboratory Corporation of America, LabCorp); PubMed 20621367 (cited by Women's Health and Genetics/Laboratory Corporation of America, LabCorp).

NM_000441.2(SLC26A4):c.1271G>A (p.Gly424Asp)

Gene: SLC26A4 (solute carrier family 26 member 4; plus strand). Cytogenetic location: 7q22.3.
Variant type: single nucleotide variant.
Coding change: c.1271G>A on transcript NM_000441.2 (MANE Select); coding-DNA position 1271, G replaced by A.
Protein change: p.Gly424Asp; replaces glycine 424 with aspartic acid.
Molecular consequence: missense variant.
Genome position (GRCh38, 1-based): chr7:107,694,410, G>A. VCF-style: chr7-107694410-G-A. GRCh37 (hg19) VCF-style: chr7-107334855-G-A.
Other names: short protein forms G424D.
Identifiers: ClinVar variation 1067344 (VCV001067344.14), dbSNP rs1791675770, ClinGen allele CA368840257.
Genomic context (GRCh38, chr7:107,694,410, plus strand): 5'-AAGACACAAGGGAGAAGGACGAATCCTTTTCATAGGAGGTGTGTGTCTTCCAGGTTGCTG[G>A]CATCATCTCTGCTGCGATTGTGATGATCGCCATTCTTGCCCTGGGGAAGCTTCTGGAACC-3'
Protein context (NP_000432.1, residues 414-434): ESTGGKTQVA[Gly424Asp]IISAAIVMIA